The following is an entry in ClinVar:

ClinVar aggregate classification (germline): Uncertain significance. Review status: criteria provided, multiple submitters, no conflicts (2 of 4 stars). 2 submissions from 2 submitters: Uncertain significance (2). Last evaluated 2024-10-31.

Conditions:
Cardiovascular phenotype. Identifiers: MedGen CN230736.
Primary dilated cardiomyopathy (DCM). Also called: Dilated Cardiomyopathy. Identifiers: Orphanet 217604, MedGen C0007193, MeSH D002311, MONDO:0005021, HP:0001644. Inheritance: Various modes of inheritance.

Submissions (2):

Ambry Genetics
Classification: Uncertain significance for Cardiovascular phenotype. Last evaluated: 2024-10-31. Review status: criteria provided, single submitter. Criteria: Ambry Variant Classification Scheme 2023. Collection method: clinical testing. Allele origin: germline.
Comment: The p.P20S variant (also known as c.58C>T), located in coding exon 1 of the LMNA gene, results from a C to T substitution at nucleotide position 58. The proline at codon 20 is replaced by serine, an amino acid with similar properties. This amino acid position is well conserved in available vertebrate species. In addition, the in silico prediction for this alteration is inconclusive. Based on the available evidence, the clinical significance of this variant remains unclear.

All of Us Research Program, National Institutes of Health
Classification: Uncertain significance for Primary dilated cardiomyopathy. Last evaluated: 2023-05-16. Review status: criteria provided, single submitter. Criteria: ACMG Guidelines, 2015. Collection method: clinical testing. Allele origin: germline. Inheritance: Autosomal dominant inheritance. Observed: 1 variant allele, 1 heterozygote.
Comment: This missense variant replaces proline with serine at codon 20 of the LMNA protein. Computational prediction suggests that this variant may not impact protein structure and function (internally defined REVEL score threshold <= 0.5, PMID: 27666373). To our knowledge, functional studies have not been reported for this variant. This variant has not been reported in individuals affected with LMNA-related disorders in the literature. This variant has not been identified in the general population by the Genome Aggregation Database (gnomAD). The available evidence is insufficient to determine the role of this variant in disease conclusively. Therefore, this variant is classified as a Variant of Uncertain Significance.

This study involves interpretation of variants in research participants for the purpose of population health screening. Participant phenotype was not available at the time of variant classification. Additional details can be found in publication PMID: 35346344, PMCID: PMC8962531

NM_170707.4(LMNA):c.58C>T (p.Pro20Ser)

Genes: LMNA (lamin A/C; plus strand), LOC129931597 (ATAC-STARR-seq lymphoblastoid silent region 1421; plus strand). Cytogenetic location: 1q22.
Variant type: single nucleotide variant.
Coding change: c.58C>T on transcript NM_170707.4 (MANE Select); coding-DNA position 58, C replaced by T.
Protein change: p.Pro20Ser; replaces proline 20 with serine.
Molecular consequence: missense variant. On other transcripts: 5 prime UTR variant (8), intron variant (2).
Genome position (GRCh38, 1-based): chr1:156,114,976, C>T. VCF-style: chr1-156114976-C-T. GRCh37 (hg19) VCF-style: chr1-156084767-C-T.
Other names: c.58C>T, p.Pro20Ser (NM_001282625.2, NM_001282626.2, NM_001406983.1 and 6 more transcripts); c.-366C>T (NM_001406986.1); c.-344C>T (NM_001406990.1, NM_001406995.1, NM_001407002.1); c.-607C>T (NM_001406994.1, NM_001407000.1); c.-787C>T (NM_001406999.1); c.-450C>T (NM_001407001.1); c.-203+8153C>T (NM_001406993.1, NM_001407003.1); short protein forms P20S.
Identifiers: ClinVar variation 3071261 (VCV003071261.2), dbSNP rs2527829907, ClinGen allele CA342807129.